The following is an entry in ClinVar:

ClinVar aggregate classification (germline): Uncertain significance. Review status: criteria provided, multiple submitters, no conflicts (2 of 4 stars). 2 submissions from 2 submitters: Uncertain significance (2). Last evaluated 2025-08-25.

Conditions:
Mosaic variegated aneuploidy syndrome 1 (MVA1). Also called: Warburton-Anyane-Yeboa syndrome. Identifiers: Orphanet 1052, MedGen C1850343, MONDO:0009759, OMIM 257300.
Inborn genetic diseases. Identifiers: MedGen C0950123, MeSH D030342.

Allele frequency attached by ClinVar (database versions not stated): ExAC 0.00001; gnomAD exomes 0.00001.
gnomAD v4.1: 6 of 1,614,122 alleles (0.00037%); highest among the groups gnomAD compares: South Asian, 0.0011%; no homozygotes.

Submissions (2):

Ambry Genetics
Classification: Uncertain significance for Inborn genetic diseases. Last evaluated: 2025-08-25. Review status: criteria provided, single submitter. Criteria: Ambry Variant Classification Scheme 2023. Collection method: clinical testing. Allele origin: germline.

Labcorp Genetics (formerly Invitae), Labcorp
Classification: Uncertain significance for Mosaic variegated aneuploidy syndrome 1. Last evaluated: 2023-07-17. Review status: criteria provided, single submitter. Criteria: Invitae Variant Classification Sherloc (09022015). Collection method: clinical testing. Allele origin: germline.
Comment: Algorithms developed to predict the effect of sequence changes on RNA splicing suggest that this variant may disrupt the consensus splice site. In summary, the available evidence is currently insufficient to determine the role of this variant in disease. Therefore, it has been classified as a Variant of Uncertain Significance. An algorithm developed to predict the effect of missense changes on protein structure and function (PolyPhen-2) suggests that this variant is likely to be disruptive. ClinVar contains an entry for this variant (Variation ID: 1782959). This variant has not been reported in the literature in individuals affected with BUB1B-related conditions. This variant is present in population databases (rs760805647, gnomAD 0.007%). This sequence change replaces arginine, which is basic and polar, with tryptophan, which is neutral and slightly polar, at codon 36 of the BUB1B protein (p.Arg36Trp).

NM_001211.6(BUB1B):c.106C>T (p.Arg36Trp)

Gene: BUB1B (BUB1 mitotic checkpoint serine/threonine kinase B; plus strand). Cytogenetic location: 15q15.1.
Variant type: single nucleotide variant.
Coding change: c.106C>T on transcript NM_001211.6 (MANE Select); coding-DNA position 106, C replaced by T.
Protein change: p.Arg36Trp; replaces arginine 36 with tryptophan.
Molecular consequence: missense variant.
Genome position (GRCh38, 1-based): chr15:40,165,123, C>T. VCF-style: chr15-40165123-C-T. GRCh37 (hg19) VCF-style: chr15-40457324-C-T.
Other names: short protein forms R36W.
Identifiers: ClinVar variation 1782959 (VCV001782959.7), dbSNP rs760805647, ClinGen allele CA7475351.
Genomic context (GRCh38, chr15:40,165,123, plus strand): 5'-TCCCTGGAGGGAGATGAATGGGAACTGAGTAAAGAAAATGTACAACCTTTAAGGCAAGGG[C>T]GGATCATGTCCACGCTTCAGGGAGCACTGGCACAAGAATCTGCCTGTAACAATACTCTTC-3'
Protein context (NP_001202.5, residues 26-46): KENVQPLRQG[Arg36Trp]IMSTLQGALA